The following is an entry in ClinVar:

ClinVar aggregate classification (germline): Uncertain significance (1 of 4 stars; one submission).

Conditions:
Kabuki syndrome. Also called: NIIKAWA-KUROKI SYNDROME; Kabuki make-up syndrome. Identifiers: Orphanet 2322, MedGen C0796004, MONDO:0016512.

Submission:

Labcorp Genetics (formerly Invitae), Labcorp
Classification: Uncertain significance for Kabuki syndrome. Last evaluated: 2024-07-22. Review status: criteria provided, single submitter. Criteria: Invitae Variant Classification Sherloc (09022015). Collection method: clinical testing. Allele origin: germline.
Comment: This sequence change replaces leucine, which is neutral and non-polar, with histidine, which is basic and polar, at codon 3847 of the KMT2D protein (p.Leu3847His). This variant is not present in population databases (gnomAD no frequency). This variant has not been reported in the literature in individuals affected with KMT2D-related conditions. Advanced modeling of protein sequence and biophysical properties (such as structural, functional, and spatial information, amino acid conservation, physicochemical variation, residue mobility, and thermodynamic stability) has been performed at Invitae for this missense variant, however the output from this modeling did not meet the statistical confidence thresholds required to predict the impact of this variant on KMT2D protein function. In summary, the available evidence is currently insufficient to determine the role of this variant in disease. Therefore, it has been classified as a Variant of Uncertain Significance.

NM_003482.4(KMT2D):c.11540T>A (p.Leu3847His)

Gene: KMT2D (lysine methyltransferase 2D; minus strand). Cytogenetic location: 12q13.12.
Variant type: single nucleotide variant.
Coding change: c.11540T>A on transcript NM_003482.4 (MANE Select); coding-DNA position 11540, T replaced by A.
Protein change: p.Leu3847His; replaces leucine 3847 with histidine.
Molecular consequence: missense variant.
Genome position (GRCh38, 1-based): chr12:49,033,165, A>T on the plus strand (T>A on the coding strand, the complement: KMT2D is on the minus strand). VCF-style: chr12-49033165-A-T. GRCh37 (hg19) VCF-style: chr12-49426948-A-T.
Other names: short protein forms L3847H.
Identifiers: ClinVar variation 3635116 (VCV003635116.2).
Genomic context (GRCh38, chr12:49,033,165, plus strand): 5'-TGCTGTTGGTGCTGTTGTTGCTGCTGCTGCTGCTGGGCTGTGACCAGCCTGTGTCCCATA[A>T]GGCCCTGACCCTGCTGTGCCAGCTGGGGGGAACTGAGCACCCGGGACTGGGTCATAAGCA-3'
Protein context (NP_003473.3, residues 3837-3857): SPQLAQQGQG[Leu3847His]MGHRLVTAQQ